The following is an entry in ClinVar:

ClinVar aggregate classification (germline): Uncertain significance (1 of 4 stars; one submission).

Submission:

Greenwood Genetic Center Diagnostic Laboratories, Greenwood Genetic Center
Classification: Uncertain significance. Last evaluated: 2023-07-20. Review status: criteria provided, single submitter. Criteria: ACMG Guidelines, 2015. Collection method: clinical testing. Allele origin: germline. Affected: yes.
Comment: PM2

NM_004606.5(TAF1):c.714+24G>C

Gene: TAF1 (TATA-box binding protein associated factor 1; plus strand). Cytogenetic location: Xq13.1.
Variant type: single nucleotide variant.
Coding change: c.714+24G>C on transcript NM_004606.5 (MANE Select); 24 bases into the intron after coding-DNA position 714, G replaced by C.
Molecular consequence: intron variant.
Genome position (GRCh38, 1-based): chrX:71,377,215, G>C. VCF-style: chrX-71377215-G-C. GRCh37 (hg19) VCF-style: chrX-70597065-G-C.
Other names: c.714+24G>C (NM_001286074.2); c.651+24G>C (NM_138923.4).
Identifiers: ClinVar variation 2626997 (VCV002626997.1), dbSNP rs2520126480, ClinGen allele CA2582342916.